The following is an entry in ClinVar:

ClinVar aggregate classification (germline): Uncertain significance (1 of 4 stars; one submission).

Submission:

Dasa
Classification: Uncertain significance. Last evaluated: 2025-11-28. Review status: criteria provided, single submitter. Criteria: DASA Assertion Criteria. Collection method: clinical testing. Allele origin: germline.
Comment: NM_001130438.3(SPTAN1):c.7433G>T (p.*2478Leuext*39) is a nonsense variant in SPTAN1 predicted to introduce a premature termination codon. This variant is absent from population databases. The currently available literature and clinical evidence are not sufficient to establish a definitive association between this variant and the reported condition. Therefore, this variant is classified as a variant of uncertain significance.

NM_001130438.3(SPTAN1):c.7433G>T (p.Ter2478Leu)

Gene: SPTAN1 (spectrin alpha, non-erythrocytic 1; plus strand). Cytogenetic location: 9q34.11.
Variant type: single nucleotide variant.
Coding change: c.7433G>T on transcript NM_001130438.3 (MANE Select); coding-DNA position 7433, G replaced by T.
Protein change: p.Ter2478Leu.
Molecular consequence: stop lost.
Genome position (GRCh38, 1-based): chr9:128,633,333, G>T. VCF-style: chr9-128633333-G-T. GRCh37 (hg19) VCF-style: chr9-131395612-G-T.
Other names: c.7358G>T, p.Ter2453Leu (NM_001195532.2); c.7496G>T, p.Ter2499Leu (NM_001363759.2); c.7373G>T, p.Ter2458Leu (NM_001363765.2, NM_001375314.2); c.7520G>T, p.Ter2507Leu (NM_001375310.1); c.7433G>T, p.Ter2478Leu (NM_001375311.2); c.7469G>T, p.Ter2490Leu (NM_001375312.2, NM_001438440.1); c.7415G>T, p.Ter2472Leu (NM_001375313.1); c.7532G>T, p.Ter2511Leu (NM_001375318.1); and 6 more.
Identifiers: ClinVar variation 4885139 (VCV004885139.2).